The following is an entry in ClinVar:

ClinVar aggregate classification (germline): Likely pathogenic (1 of 4 stars; one submission).

Conditions:
Spermatogenic failure 39. Identifiers: MedGen C5231438, MONDO:0032845, OMIM 618643.

Submission:

Juno Genomics, Hangzhou Juno Genomics, Inc
Classification: Likely pathogenic for Spermatogenic failure 39. Review status: criteria provided, single submitter. Criteria: ACMG Guidelines, 2015. Collection method: clinical testing. Allele origin: germline.
Comment: Absent from controls (or at extremely low frequency if recessive) in Genome Aggregation Database.;Null variant in a gene where loss of function (LOF) is a known mechanism of disease.

NM_173628.4(DNAH17):c.12064dup (p.Glu4022fs)

Gene: DNAH17 (dynein axonemal heavy chain 17; minus strand). Cytogenetic location: 17q25.3.
Variant type: Duplication.
Coding change: c.12064dup on transcript NM_173628.4 (MANE Select); coding-DNA position 12064, one base duplicated (G; older notation c.12064dupG).
Protein change: p.Glu4022fs; shifts the reading frame from glutamic acid 4022.
Molecular consequence: frameshift variant.
Genome position (GRCh38, 1-based): chr17:78,434,190, C duplicated on the plus strand (G on the coding strand, the reverse complement: DNAH17 is on the minus strand); the first of 2 consecutive C bases (chr17:78,434,190-78,434,191); duplicating either gives the same sequence. VCF-style (leftmost placement, unchanged base first): chr17-78434189-T-TC. GRCh37 (hg19) VCF-style: chr17-76430270-T-TC.
Other names: short protein forms E4022fs.
Identifiers: ClinVar variation 5019043 (VCV005019043.2).